The following is an entry in ClinVar:

NM_032119.4(ADGRV1):c.16297G>C (p.Val5433Leu)

Gene: ADGRV1 (adhesion G protein-coupled receptor V1; plus strand). Cytogenetic location: 5q14.3.
Variant type: single nucleotide variant.
Coding change: c.16297G>C on transcript NM_032119.4 (MANE Select); coding-DNA position 16297, G replaced by C.
Protein change: p.Val5433Leu; replaces valine 5433 with leucine.
Molecular consequence: missense variant. On other transcripts: non-coding transcript variant (1).
Genome position (GRCh38, 1-based): chr5:90,823,525, G>C. VCF-style: chr5-90823525-G-C. GRCh37 (hg19) VCF-style: chr5-90119342-G-C.
Other names: short protein forms V5433L.
Identifiers: ClinVar variation 4798541 (VCV004798541.1).

ClinVar aggregate classification (germline): Uncertain significance (1 of 4 stars; one submission).

gnomAD v4.1: 2 of 1,613,924 alleles (0.00012%); highest among the groups gnomAD compares: Non-Finnish European, 0.00017%; no homozygotes.

Submission:

Labcorp Genetics (formerly Invitae), Labcorp
Classification: Uncertain significance. Last evaluated: 2025-11-15. Review status: criteria provided, single submitter. Criteria: Invitae Variant Classification Sherloc (09022015). Collection method: clinical testing. Allele origin: germline.
Comment: This sequence change replaces valine, which is neutral and non-polar, with leucine, which is neutral and non-polar, at codon 5433 of the ADGRV1 protein (p.Val5433Leu). This variant is not present in population databases (gnomAD no frequency). This variant has not been reported in the literature in individuals affected with ADGRV1-related conditions. Invitae Evidence Modeling of protein sequence and biophysical properties (such as structural, functional, and spatial information, amino acid conservation, physicochemical variation, residue mobility, and thermodynamic stability) indicates that this missense variant is not expected to disrupt ADGRV1 protein function with a negative predictive value of 95%. In summary, the available evidence is currently insufficient to determine the role of this variant in disease. Therefore, it has been classified as a Variant of Uncertain Significance.